The following is an entry in ClinVar:

NM_003119.4(SPG7):c.376+1G>T

Gene: SPG7 (SPG7 matrix AAA peptidase subunit, paraplegin; plus strand). Cytogenetic location: 16q24.3.
Variant type: single nucleotide variant.
Coding change: c.376+1G>T on transcript NM_003119.4 (MANE Select); the canonical splice donor site of the intron after coding-DNA position 376, G replaced by T.
Molecular consequence: splice donor variant.
Genome position (GRCh38, 1-based): chr16:89,513,038, G>T. VCF-style: chr16-89513038-G-T. GRCh37 (hg19) VCF-style: chr16-89579446-G-T.
Other names: c.376+1G>T (NM_001363850.1, NM_199367.3).
Identifiers: ClinVar variation 411682 (VCV000411682.62), dbSNP rs746053679, ClinGen allele CA8243546.

ClinVar aggregate classification (germline): Pathogenic/Likely pathogenic. Review status: criteria provided, multiple submitters, no conflicts (2 of 4 stars). 10 submissions from 10 submitters: Pathogenic (1); Likely pathogenic (9). Last evaluated 2025-11-16.

Conditions:
SPG7-related disorder. Also called: SPG7-related condition.
Early-onset progressive neurodegeneration-blindness-ataxia-spasticity syndrome. Also called: SPASTIC PARAPLEGIA 79B, AUTOSOMAL RECESSIVE; Spastic paraplegia 79, autosomal recessive. Identifiers: Orphanet 352654, MedGen C3809665, MONDO:0014209, OMIM 615491.
Hereditary spastic paraplegia 7 (SPG7). Also called: SPG7-related neurologic disorder; Autosomal recessive spastic paraplegia type 7; SPASTIC PARAPLEGIA 7, AUTOSOMAL RECESSIVE, WITH OR WITHOUT CEREBELLAR ATAXIA; Spastic paraplegia 7; Hereditary spastic paraplegia Paraplegin type. Identifiers: Orphanet 99013, MedGen C1846564, MONDO:0011803, OMIM 607259.

Allele frequency attached by ClinVar (database versions not stated): gnomAD 0.00001 and 0.00002; TOPMed 0.00003.
gnomAD v4.1: 18 of 1,604,014 alleles (0.0011%); highest among the groups gnomAD compares: East Asian, 0.0022%; no homozygotes.

Submissions (10):

GeneDx
Classification: Likely pathogenic. Last evaluated: 2025-11-16. Review status: criteria provided, single submitter. Criteria: GeneDx Variant Classification Process June 2021. Collection method: clinical testing. Allele origin: germline. Affected: yes.
Comment: Canonical splice site variant predicted to result in an in-frame loss of the adjacent exon in a gene for which loss of function is a known mechanism of disease; Not observed at significant frequency in large population cohorts (gnomAD); This variant is associated with the following publications: (PMID: 33598982, 23065789, 40463523)

CeGaT Center for Human Genetics Tuebingen
Classification: Likely pathogenic. Last evaluated: 2024-12-01. Review status: criteria provided, single submitter. Criteria: CeGaT Center For Human Genetics Tuebingen Variant Classification Criteria Version 2. Collection method: clinical testing. Allele origin: germline. Affected: yes. Observed: 2 variant alleles.
Comment: SPG7: PVS1:Strong, PM2, PM3

Fulgent Genetics
Classification: Likely pathogenic for Hereditary spastic paraplegia 7. Last evaluated: 2024-03-12. Review status: criteria provided, single submitter. Criteria: ACMG Guidelines, 2015. Collection method: clinical testing. Allele origin: germline.

Labcorp Genetics (formerly Invitae), Labcorp
Classification: Likely pathogenic for Hereditary spastic paraplegia 7. Last evaluated: 2023-09-08. Review status: criteria provided, single submitter. Criteria: Invitae Variant Classification Sherloc (09022015). Collection method: clinical testing. Allele origin: germline.
Comment: This variant is present in population databases (rs746053679, gnomAD 0.003%). Disruption of this splice site has been observed in individual(s) with hereditary spastic paraplegia (PMID: 23065789). ClinVar contains an entry for this variant (Variation ID: 411682). Algorithms developed to predict the effect of sequence changes on RNA splicing suggest that this variant may disrupt the consensus splice site. In summary, the currently available evidence indicates that the variant is pathogenic, but additional data are needed to prove that conclusively. Therefore, this variant has been classified as Likely Pathogenic. This sequence change affects a donor splice site in intron 3 of the SPG7 gene. It is expected to disrupt RNA splicing. Variants that disrupt the donor or acceptor splice site typically lead to a loss of protein function (PMID: 16199547), and loss-of-function variants in SPG7 are known to be pathogenic (PMID: 21623769, 22964162).

Neuberg Centre For Genomic Medicine, NCGM
Classification: Likely pathogenic for Early-onset progressive neurodegeneration-blindness-ataxia-spasticity syndrome. Last evaluated: 2023-02-14. Review status: criteria provided, single submitter. Criteria: ACMG Guidelines, 2015. Collection method: clinical testing. Allele origin: germline. Inheritance: Autosomal recessive inheritance. Affected: yes.
Comment: The invariant splice site c.376+1G>T variant in SPG7 gene has been reported in compound heterozygous state in an individuals affected with spastic paraplegia (Klebe S, et. al., 2012). The variant is reported with an allele frequency of 0.0009% in the gnomAD exomes database and is novel (not in any individuals) in 1000 Genomes database. This variant has been reported to the ClinVar database as Pathogenic/Likely pathogenic (multiple submissions). Loss of function variants have been previously reported to be disease causing. Functional studies are required to prove pathogenicity of the variant. For these reasons, this variant has been classified as Likely Pathogenic. In absence of another reportable variant in SPG7 gene, the molecular diagnosis is not confirmed.

Blueprint Genetics
Classification: Likely pathogenic for SPG7-related disorders. Last evaluated: 2022-12-20. Review status: criteria provided, single submitter. Criteria: ACMG Guidelines, 2015. Collection method: clinical testing. Allele origin: germline. Affected: yes. Observed: 4 variant alleles.

Athena Diagnostics
Classification: Likely pathogenic. Last evaluated: 2022-10-28. Review status: criteria provided, single submitter. Criteria: Athena Diagnostics Criteria. Collection method: clinical testing. Allele origin: unknown.
Comment: The frequency of this variant in the general population is consistent with pathogenicity. This variant is expected to impact normal RNA splicing, however, it is predicted to result in an in-frame change to the transcript. This variant has been identified in multiple unrelated individuals with clinical features associated with this gene.

Women's Health and Genetics/Laboratory Corporation of America, LabCorp
Classification: Likely pathogenic for Hereditary spastic paraplegia 7. Last evaluated: 2022-08-25. Review status: criteria provided, single submitter. Criteria: LabCorp Variant Classification Summary - May 2015. Collection method: clinical testing. Allele origin: germline.
Comment: Variant summary: SPG7 c.376+1G>T is located in a canonical splice-site and is predicted to affect mRNA splicing resulting in a significantly altered protein due to either exon skipping, shortening, or inclusion of intronic material. Four computational tools predict the variant abolishes a 5' splicing donor site. However, these predictions have yet to be confirmed by functional studies. The variant allele was found at a frequency of 1.2e-05 in 260534 control chromosomes (gnomAD). c.376+1G>T has been reported in the literature in at least one compound heterozygous individual affected with Spastic Paraplegia (Klebe_2012). These data do not allow any conclusion about variant significance. Five ClinVar submitters have assessed the variant since 2014: two classified the variant as likely pathogenic and three as pathogenic. Based on the evidence outlined above, the variant was classified as likely pathogenic.

PROSPAX: an integrated multimodal progression  chart in spastic ataxias, Center for Neurology; Hertie-Institute for Clinical Brain Research
Classification: Pathogenic for Hereditary spastic paraplegia 7. Last evaluated: 2022-01-01. Review status: criteria provided, single submitter. Criteria: ACMG Guidelines, 2015. Collection method: research. Allele origin: germline. Affected: yes. Observed: 4 variant alleles, 4 compound heterozygotes.

Eurofins Ntd Llc (ga)
Classification: Likely pathogenic. Last evaluated: 2017-08-23. Review status: criteria provided, single submitter. Criteria: EGL Classification Definitions 2015. Collection method: clinical testing. Allele origin: germline. Observed: 1 variant allele, 1 heterozygote.

Literature cited by the submitters: PubMed 23065789 (cited by 3 submitters); PubMed 16199547 (cited by Labcorp Genetics (formerly Invitae), Labcorp); PubMed 21623769 (cited by Labcorp Genetics (formerly Invitae), Labcorp); PubMed 22964162 (cited by Labcorp Genetics (formerly Invitae), Labcorp); PubMed 33598982 (cited by Athena Diagnostics).